The following is an entry in ClinVar:

NM_000093.5(COL5A1):c.3608G>A (p.Arg1203Gln)

Gene: COL5A1 (collagen type V alpha 1 chain; plus strand). Cytogenetic location: 9q34.3.
Variant type: single nucleotide variant.
Coding change: c.3608G>A on transcript NM_000093.5 (MANE Select); coding-DNA position 3608, G replaced by A.
Protein change: p.Arg1203Gln; replaces arginine 1203 with glutamine.
Molecular consequence: missense variant.
Genome position (GRCh38, 1-based): chr9:134,811,517, G>A. VCF-style: chr9-134811517-G-A. GRCh37 (hg19) VCF-style: chr9-137703363-G-A.
Other names: c.3608G>A, p.Arg1203Gln (NM_001278074.1); short protein forms R1203Q.
Identifiers: ClinVar variation 835880 (VCV000835880.11), dbSNP rs1838524385, ClinGen allele CA375454099.

ClinVar aggregate classification (germline): Uncertain significance. Review status: criteria provided, multiple submitters, no conflicts (2 of 4 stars). 2 submissions from 2 submitters: Uncertain significance (2). Last evaluated 2023-08-15.

Conditions:
Ehlers-Danlos syndrome, classic type, 1 (EDSCL1). Also called: Ehlers-Danlos syndrome, type 1; Ehlers-Danlos Syndrome, Classic Type, COL5A1-Related; EDS I; EHLERS-DANLOS SYNDROME, GRAVIS TYPE; EHLERS-DANLOS SYNDROME, SEVERE CLASSIC TYPE. Identifiers: MedGen C0268335, MONDO:0019567, OMIM 130000.

gnomAD v4.1: 2 of 1,607,834 alleles (0.00012%); highest among the groups gnomAD compares: South Asian, 0.0011%; no homozygotes.

Submissions (2):

Women's Health and Genetics/Laboratory Corporation of America, LabCorp
Classification: Uncertain significance. Last evaluated: 2023-08-15. Review status: criteria provided, single submitter. Criteria: LabCorp Variant Classification Summary - May 2015. Collection method: clinical testing. Allele origin: germline.
Comment: Variant summary: COL5A1 c.3608G>A (p.Arg1203Gln) results in a conservative amino acid change in the encoded protein sequence. Four of five in-silico tools predict a damaging effect of the variant on protein function. The variant was absent in 231820 control chromosomes (gnomAD). The available data on variant occurrences in the general population are insufficient to allow any conclusion about variant significance. To our knowledge, no occurrence of c.3608G>A in individuals affected with Ehlers-Danlos Syndrome and no experimental evidence demonstrating its impact on protein function have been reported. One ClinVar submitter has assessed the variant since 2014, and classified the variant as uncertain significance. Based on the evidence outlined above, the variant was classified as uncertain significance.

Labcorp Genetics (formerly Invitae), Labcorp
Classification: Uncertain significance for Ehlers-Danlos syndrome, classic type, 1. Last evaluated: 2019-12-15. Review status: criteria provided, single submitter. Criteria: Invitae Variant Classification Sherloc (09022015). Collection method: clinical testing. Allele origin: germline.
Comment: This variant is not present in population databases (ExAC no frequency). In summary, the available evidence is currently insufficient to determine the role of this variant in disease. Therefore, it has been classified as a Variant of Uncertain Significance. Algorithms developed to predict the effect of missense changes on protein structure and function are either unavailable or do not agree on the potential impact of this missense change (SIFT: "Deleterious"; PolyPhen-2: "Not Available"; Align-GVGD: "Class C0"). This variant has not been reported in the literature in individuals with COL5A1-related conditions. This sequence change replaces arginine with glutamine at codon 1203 of the COL5A1 protein (p.Arg1203Gln). The arginine residue is highly conserved and there is a small physicochemical difference between arginine and glutamine.